The following is an entry in ClinVar:

ClinVar aggregate classification (germline): Likely pathogenic (1 of 4 stars; one submission).

Conditions:
Telangiectasia, hereditary hemorrhagic, type 2 (HHT2). Also called: ACVRL1-Related Hereditary Hemorrhagic Telangiectasia; Telangiectasia, hereditary hemorrhagic, type II. Identifiers: Orphanet 774, MedGen C1838163, MONDO:0010880, OMIM 600376. Disease mechanism: loss of function.

Submission:

Labcorp Genetics (formerly Invitae), Labcorp
Classification: Likely pathogenic for Telangiectasia, hereditary hemorrhagic, type 2. Last evaluated: 2019-01-22. Review status: criteria provided, single submitter. Criteria: Invitae Variant Classification Sherloc (09022015). Collection method: clinical testing. Allele origin: germline.
Comment: Algorithms developed to predict the effect of missense changes on protein structure and function are either unavailable or do not agree on the potential impact of this missense change (SIFT: "Deleterious"; PolyPhen-2: "Probably Damaging"; Align-GVGD: "Class 15"). This variant disrupts the p.Asp397 amino acid residue in ACVRL1. Other variant(s) that disrupt this residue have been observed in individuals with ACVRL1-related conditions (PMID: 15024723, Invitae), suggesting that it is a clinically significant residue. As a result, variants that disrupt this residue are likely to be causative of disease. In summary, the currently available evidence indicates that the variant is pathogenic, but additional data are needed to prove that conclusively. Therefore, this variant has been classified as Likely Pathogenic. This missense change has been observed in individuals affected with hereditary hemorrhagic telangiectasia (PMID: 15517393, 16690726, Invitae). This sequence change replaces aspartic acid with asparagine at codon 397 of the ACVRL1 protein (p.Asp397Asn). The aspartic acid residue is highly conserved and there is a small physicochemical difference between aspartic acid and asparagine. This variant is not present in population databases (ExAC no frequency).

Literature cited by the submitters: PubMed 15024723; PubMed 15517393; PubMed 16690726.

NM_000020.3(ACVRL1):c.1188_1189delinsAA (p.Asp397Asn)

Gene: ACVRL1 (activin A receptor like type 1; plus strand). Cytogenetic location: 12q13.13.
Variant type: Indel.
Coding change: c.1188_1189delinsAA on transcript NM_000020.3 (MANE Select); coding-DNA positions 1188 to 1189, TG replaced by AA.
Protein change: p.Asp397Asn; replaces aspartic acid 397 with asparagine.
Molecular consequence: missense variant.
Genome position (GRCh38, 1-based): chr12:51,916,175-51,916,176, TG replaced by AA. VCF-style: chr12-51916175-TG-AA. GRCh37 (hg19) VCF-style: chr12-52309959-TG-AA.
Other names: c.1188_1189delinsAA, p.Asp397Asn (NM_001077401.2); short protein forms D397N.
Identifiers: ClinVar variation 655984 (VCV000655984.9), dbSNP rs1592225036, ClinGen allele CA915948526.